The following is an entry in ClinVar:

ClinVar aggregate classification (germline): Pathogenic. Review status: criteria provided, multiple submitters, no conflicts (2 of 4 stars). 4 submissions from 4 submitters: Pathogenic (2). 2 of the submissions do not count toward it. Last evaluated 2025-11-11.

Conditions:
Phenylketonuria (PKU). Also called: Phenylketonuria (PKU); FOLLING DISEASE; OLIGOPHRENIA PHENYLPYRUVICA; Phenylketonurias. Identifiers: Orphanet 716, MedGen C0031485, MONDO:0009861, OMIM 261600. Disease mechanism: loss of function.

Allele frequency attached by ClinVar (database versions not stated): gnomAD 0.00001.
gnomAD v4.1: 1 of 1,613,520 alleles (0.000062%); highest among the groups gnomAD compares: East Asian, 0.0022%; no homozygotes.

Submissions (4):

Women's Health and Genetics/Laboratory Corporation of America, LabCorp
Classification: Pathogenic for Phenylketonuria. Last evaluated: 2025-11-11. Review status: criteria provided, single submitter. Criteria: LabCorp Variant Classification Summary - May 2015. Collection method: clinical testing. Allele origin: germline.
Comment: Variant summary: PAH c.1199G>A (p.Arg400Lys) results in a conservative amino acid change in the encoded protein sequence. Algorithms developed to predict the effect of missense changes on protein structure and function are either unavailable or do not agree on the potential impact of this missense change. Several computational tools predict a significant impact on normal splicing: Three predict the variant weakens the canonical 5' splicing donor site. One predict the variant abolishes the canonical 5' splicing donor site. However, these predictions have yet to be confirmed by functional studies. The variant was absent in 251264 control chromosomes. c.1199G>A has been observed in multiple individuals affected with Phenylalanine Hydroxylase Deficiency (Phenylketonuria) (example, Li_2018). These data indicate that the variant is very likely to be associated with disease. To our knowledge, no experimental evidence demonstrating an impact on protein function has been reported. The following publication have been ascertained in the context of this evaluation (PMID: 30050108). ClinVar contains an entry for this variant (Variation ID: 102561). Based on the evidence outlined above, the variant was classified as pathogenic.

Labcorp Genetics (formerly Invitae), Labcorp
Classification: Pathogenic for Phenylketonuria. Last evaluated: 2025-07-21. Review status: criteria provided, single submitter. Criteria: Invitae Variant Classification Sherloc (09022015). Collection method: clinical testing. Allele origin: germline.
Comment: This sequence change replaces arginine, which is basic and polar, with lysine, which is basic and polar, at codon 400 of the PAH protein (p.Arg400Lys). This variant also falls at the last nucleotide of exon 11, which is part of the consensus splice site for this exon. This variant is present in population databases (rs199475658, gnomAD 0.06%). This missense change has been observed in individual(s) with hyperphenylalaninemia (PMID: 16256386). ClinVar contains an entry for this variant (Variation ID: 102561). An algorithm developed to predict the effect of missense changes on protein structure and function (PolyPhen-2) suggests that this variant is likely to be tolerated. Variants that disrupt the consensus splice site are a relatively common cause of aberrant splicing (PMID: 17576681, 9536098). Algorithms developed to predict the effect of sequence changes on RNA splicing suggest that this variant may disrupt the consensus splice site. For these reasons, this variant has been classified as Pathogenic.

Counsyl
Classification: Likely pathogenic for Phenylketonuria. Last evaluated: 2018-01-22. Review status: no assertion criteria provided. Collection method: clinical testing. Allele origin: unknown. Not counted in ClinVar's aggregate classification.

DeBelle Laboratory for Biochemical Genetics, MUHC/MCH RESEARCH INSTITUTE
No classification provided. Review status: no classification provided. Collection method: not provided. Allele origin: not provided. Not counted in ClinVar's aggregate classification.

Literature cited by the submitters: PubMed 30050108 (cited by Women's Health and Genetics/Laboratory Corporation of America, LabCorp); PubMed 16256386 (cited by Labcorp Genetics (formerly Invitae), Labcorp and Counsyl); PubMed 17576681 (cited by Labcorp Genetics (formerly Invitae), Labcorp); PubMed 9536098 (cited by Labcorp Genetics (formerly Invitae), Labcorp); PubMed 17924342 (cited by Counsyl); PubMed 26503515 (cited by Counsyl); PubMed 27264808 (cited by Counsyl); PubMed 23932990 (cited by Counsyl); PubMed 25456745 (cited by Counsyl).

NM_000277.3(PAH):c.1199G>A (p.Arg400Lys)

Gene: PAH (phenylalanine hydroxylase; minus strand). Cytogenetic location: 12q23.2.
Variant type: single nucleotide variant.
Coding change: c.1199G>A on transcript NM_000277.3 (MANE Select); coding-DNA position 1199, G replaced by A.
Protein change: p.Arg400Lys; replaces arginine 400 with lysine.
Molecular consequence: missense variant.
Genome position (GRCh38, 1-based): chr12:102,843,646, C>T on the plus strand (G>A on the coding strand, the complement: PAH is on the minus strand). VCF-style: chr12-102843646-C-T. GRCh37 (hg19) VCF-style: chr12-103237424-C-T.
Other names: c.1199G>A, p.Arg400Lys (NM_001354304.2); short protein forms R400K.
Identifiers: ClinVar variation 102561 (VCV000102561.6), dbSNP rs199475658, ClinGen allele CA229389.